The following is an entry in ClinVar:

ClinVar aggregate classification (germline): Likely pathogenic (1 of 4 stars; one submission).

Conditions:
Autosomal recessive polycystic kidney disease (ARPKD). Also called: AR polycystic kidney disease. Identifiers: Orphanet 731, Orphanet 8378, MedGen C0085548, MeSH D017044, MONDO:0009889.

Submission:

Labcorp Genetics (formerly Invitae), Labcorp
Classification: Likely pathogenic for Autosomal recessive polycystic kidney disease. Last evaluated: 2026-01-16. Review status: criteria provided, single submitter. Criteria: Invitae Variant Classification Sherloc (09022015). Collection method: clinical testing. Allele origin: germline.
Comment: This sequence change affects an acceptor splice site in intron 45 of the PKHD1 gene. It is expected to disrupt RNA splicing. Variants that disrupt the donor or acceptor splice site typically lead to a loss of protein function (PMID: 16199547), and loss-of-function variants in PKHD1 are known to be pathogenic (PMID: 19940839). This variant is not present in population databases (gnomAD no frequency). This variant has not been reported in the literature in individuals affected with PKHD1-related conditions. Algorithms developed to predict the effect of sequence changes on RNA splicing suggest that this variant may disrupt the consensus splice site. In summary, the currently available evidence indicates that the variant is pathogenic, but additional data are needed to prove that conclusively. Therefore, this variant has been classified as Likely Pathogenic.

Literature cited by the submitters: PubMed 16199547; PubMed 19940839.

NM_138694.4(PKHD1):c.7216-2A>G

Gene: PKHD1 (PKHD1 ciliary IPT domain containing fibrocystin/polyductin; minus strand). Cytogenetic location: 6p12.2.
Variant type: single nucleotide variant.
Coding change: c.7216-2A>G on transcript NM_138694.4 (MANE Select); the canonical splice acceptor site of the intron before coding-DNA position 7216, A replaced by G.
Molecular consequence: splice acceptor variant.
Genome position (GRCh38, 1-based): chr6:51,883,229, T>C on the plus strand (A>G on the coding strand, the complement: PKHD1 is on the minus strand). VCF-style: chr6-51883229-T-C. GRCh37 (hg19) VCF-style: chr6-51748027-T-C.
Other names: c.7216-2A>G (NM_170724.3).
Identifiers: ClinVar variation 4735478 (VCV004735478.1).